The following is an entry in ClinVar:

NM_000038.6(APC):c.136-2352A>C

Gene: APC (APC regulator of WNT signaling pathway; plus strand). Cytogenetic location: 5q22.2.
Variant type: single nucleotide variant.
Coding change: c.136-2352A>C on transcript NM_000038.6 (MANE Select); 2352 bases into the intron before coding-DNA position 136, A replaced by C.
Molecular consequence: intron variant.
Genome position (GRCh38, 1-based): chr5:112,763,974, A>C. VCF-style: chr5-112763974-A-C. GRCh37 (hg19) VCF-style: chr5-112099671-A-C.
Other names: c.136-2352A>C (NM_001354895.2, NM_001127510.3, NM_001354896.2 and 2 more transcripts); c.166-2352A>C (NM_001354897.2, NM_001354902.2, NM_001127511.3); c.61-2352A>C (NM_001354898.2, NM_001354904.2); c.-900-2352A>C (NM_001354906.2); c.-42-2352A>C (NM_001354900.2, NM_001354901.2, NM_001354905.2).
Identifiers: ClinVar variation 82384 (VCV000082384.2), dbSNP rs77616734, ClinGen allele CA004597.
Genomic context (GRCh38, chr5:112,763,974, plus strand): 5'-CTGTAGGCTTTGGAGAAGAATCTTACAAAGAGAGACCTGATCGGCCGGGCGCGGTGGCTC[A>C]CGCCTGTAATCCCAGCACTTTGGGAGGCTGACGCGGGCGGATGGTGATGTCAGGAGATCG-3'

ClinVar aggregate classification (germline): other (0 of 4 stars; one submission).

Conditions:
Familial colorectal cancer. Identifiers: MedGen CN280943, MONDO:0023113. Disease mechanism: loss of function.

Allele frequency attached by ClinVar (database versions not stated): TOPMed below 0.00001.

Submission:

Systems Biology Platform Zhejiang California International NanoSystems Institute
Classification: other for Familial colorectal cancer. Review status: no assertion criteria provided. Collection method: not provided. Allele origin: unknown.
ClinVar note: Converted during submission from cancer to other.